The following is an entry in ClinVar:

NM_000784.4(CYP27A1):c.1477-3C>G

Gene: CYP27A1 (cytochrome P450 family 27 subfamily A member 1; plus strand). Cytogenetic location: 2q35.
Variant type: single nucleotide variant.
Coding change: c.1477-3C>G on transcript NM_000784.4 (MANE Select); 3 bases into the intron before coding-DNA position 1477, C replaced by G.
Molecular consequence: intron variant.
Genome position (GRCh38, 1-based): chr2:218,814,908, C>G. VCF-style: chr2-218814908-C-G. GRCh37 (hg19) VCF-style: chr2-219679631-C-G.
Identifiers: ClinVar variation 1449946 (VCV001449946.6), dbSNP rs78938783, ClinGen allele CA2573135329.

ClinVar aggregate classification (germline): Uncertain significance (1 of 4 stars; one submission).

Conditions:
Cholestanol storage disease (CTX). Also called: CEREBRAL CHOLESTERINOSIS; Cerebrotendinous Xanthomatosis; CTX: Cerebrotendinous xanthomatosis. Identifiers: Orphanet 909, MedGen C0238052, MONDO:0008948, OMIM 213700.

Submission:

Labcorp Genetics (formerly Invitae), Labcorp
Classification: Uncertain significance for Cholestanol storage disease. Last evaluated: 2026-01-30. Review status: criteria provided, single submitter. Criteria: Invitae Variant Classification Sherloc (09022015). Collection method: clinical testing. Allele origin: germline.
Comment: This sequence change falls in intron 8 of the CYP27A1 gene. It does not directly change the encoded amino acid sequence of the CYP27A1 protein. It affects a nucleotide within the consensus splice site. This variant is not present in population databases (gnomAD no frequency). This variant has been observed in individual(s) with features of cerebrotendinous xanthomatosis (PMID: 37314652). ClinVar contains an entry for this variant (Variation ID: 1449946). Variants that disrupt the consensus splice site are a relatively common cause of aberrant splicing (PMID: 17576681, 9536098). Algorithms developed to predict the effect of sequence changes on RNA splicing suggest that this variant may disrupt the consensus splice site. In summary, the available evidence is currently insufficient to determine the role of this variant in disease. Therefore, it has been classified as a Variant of Uncertain Significance.

Literature cited by the submitters: PubMed 37314652; PubMed 17576681; PubMed 9536098.